The following is an entry in ClinVar:

NM_000051.4(ATM):c.3970A>C (p.Ser1324Arg)

Gene: ATM (ATM serine/threonine kinase; plus strand). Cytogenetic location: 11q22.3.
Variant type: single nucleotide variant.
Coding change: c.3970A>C on transcript NM_000051.4 (MANE Select); coding-DNA position 3970, A replaced by C.
Protein change: p.Ser1324Arg; replaces serine 1324 with arginine.
Molecular consequence: missense variant.
Genome position (GRCh38, 1-based): chr11:108,284,450, A>C. VCF-style: chr11-108284450-A-C. GRCh37 (hg19) VCF-style: chr11-108155177-A-C.
Other names: c.3970A>C, p.Ser1324Arg (NM_001351834.2); short protein forms S1324R.
Identifiers: ClinVar variation 858449 (VCV000858449.9), dbSNP rs2082388757, ClinGen allele CA382526125.

ClinVar aggregate classification (germline): Uncertain significance (1 of 4 stars; one submission).

Conditions:
Ataxia-telangiectasia syndrome (AT). Also called: Ataxia telangiectasia (A-T); Cerebello-oculocutaneous telangiectasia; Immunodeficiency with ataxia telangiectasia; AT, COMPLEMENTATION GROUP C; ATAXIA-TELANGIECTASIA, COMPLEMENTATION GROUP A; ATAXIA-TELANGIECTASIA, FRESNO VARIANT. Identifiers: Orphanet 100, MedGen C0004135, MONDO:0008840, OMIM 208900.

Submission:

Labcorp Genetics (formerly Invitae), Labcorp
Classification: Uncertain significance for Ataxia-telangiectasia syndrome. Last evaluated: 2022-01-27. Review status: criteria provided, single submitter. Criteria: Invitae Variant Classification Sherloc (09022015). Collection method: clinical testing. Allele origin: germline.
Comment: This variant has not been reported in the literature in individuals affected with ATM-related conditions. In summary, the available evidence is currently insufficient to determine the role of this variant in disease. Therefore, it has been classified as a Variant of Uncertain Significance. Advanced modeling of protein sequence and biophysical properties (such as structural, functional, and spatial information, amino acid conservation, physicochemical variation, residue mobility, and thermodynamic stability) performed at Invitae indicates that this missense variant is not expected to disrupt ATM protein function. ClinVar contains an entry for this variant (Variation ID: 858449). This variant is not present in population databases (gnomAD no frequency). This sequence change replaces serine, which is neutral and polar, with arginine, which is basic and polar, at codon 1324 of the ATM protein (p.Ser1324Arg).